The following is an entry in ClinVar:

NC_000002.11:g.(?_215657011)_(215674293_?)del

Gene: BARD1 (BRCA1 associated RING domain 1; minus strand). Cytogenetic location: 2q35.
Variant type: Deletion.
Identifiers: ClinVar variation 1455000 (VCV001455000.5).

ClinVar aggregate classification (germline): Pathogenic (1 of 4 stars; one submission).

Conditions:
Familial cancer of breast. Also called: Hereditary breast cancer; hereditary breast carcinoma; BREAST CANCER, FAMILIAL. Identifiers: Orphanet 227535, MedGen C0346153, MONDO:0016419, OMIM 114480. Disease mechanism: loss of function.

Submission:

Labcorp Genetics (formerly Invitae), Labcorp
Classification: Pathogenic for Familial cancer of breast. Last evaluated: 2020-11-16. Review status: criteria provided, single submitter. Criteria: Invitae Variant Classification Sherloc (09022015). Collection method: clinical testing. Allele origin: germline.
Comment: This variant has not been reported in the literature in individuals with BARD1-related conditions. For these reasons, this variant has been classified as Pathogenic. This variant is a gross deletion of the genomic region encompassing exon(s) 1-3 of the BARD1 gene, which includes the initiator codon. The 5' end of this event is unknown as it extends beyond the assayed region for this gene and therefore may encompass additional genes. The 3' boundary is likely confined to intron 3 of the BARD1 gene. It is expected to result in an absent or disrupted protein product. Loss-of-function variants in BARD1 are known to be pathogenic (PMID: 20077502, 21344236).

Literature cited by the submitters: PubMed 20077502; PubMed 21344236.